The following is an entry in ClinVar:

ClinVar aggregate classification (germline): Uncertain significance (1 of 4 stars; one submission).

Conditions:
Pyruvate carboxylase deficiency. Also called: PC DEFICIENCY; Pyruvate Carboxylase Deficiency Disease; LEIGH NECROTIZING ENCEPHALOPATHY DUE TO PYRUVATE CARBOXYLASE DEFICIENCY; LEIGH SYNDROME DUE TO PYRUVATE CARBOXYLASE DEFICIENCY; ATAXIA WITH LACTIC ACIDOSIS II. Identifiers: Orphanet 3008, MedGen C0034341, MONDO:0009949, OMIM 266150.

Allele frequency attached by ClinVar (database versions not stated): ExAC 0.00001; gnomAD 0.00001; gnomAD exomes 0.00001; TOPMed 0.00002.
gnomAD v4.1: 8 of 1,606,596 alleles (0.0005%); highest among the groups gnomAD compares: South Asian, 0.0011%; no homozygotes.

Submission:

Labcorp Genetics (formerly Invitae), Labcorp
Classification: Uncertain significance for Pyruvate carboxylase deficiency. Last evaluated: 2022-02-09. Review status: criteria provided, single submitter. Criteria: Invitae Variant Classification Sherloc (09022015). Collection method: clinical testing. Allele origin: germline.
Comment: This sequence change replaces threonine, which is neutral and polar, with methionine, which is neutral and non-polar, at codon 72 of the PC protein (p.Thr72Met). The frequency data for this variant in the population databases is considered unreliable, as metrics indicate poor data quality at this position in the gnomAD database. This variant has not been reported in the literature in individuals affected with PC-related conditions. Algorithms developed to predict the effect of missense changes on protein structure and function are either unavailable or do not agree on the potential impact of this missense change (SIFT: "Deleterious"; PolyPhen-2: "Benign"; Align-GVGD: "Class C0"). In summary, the available evidence is currently insufficient to determine the role of this variant in disease. Therefore, it has been classified as a Variant of Uncertain Significance.

NM_001040716.2(PC):c.215C>T (p.Thr72Met)

Gene: PC (pyruvate carboxylase; minus strand). Cytogenetic location: 11q13.2.
Variant type: single nucleotide variant.
Coding change: c.215C>T on transcript NM_001040716.2 (MANE Select); coding-DNA position 215, C replaced by T.
Protein change: p.Thr72Met; replaces threonine 72 with methionine.
Molecular consequence: missense variant.
Genome position (GRCh38, 1-based): chr11:66,871,793, G>A on the plus strand (C>T on the coding strand, the complement: PC is on the minus strand). VCF-style: chr11-66871793-G-A. GRCh37 (hg19) VCF-style: chr11-66639264-G-A.
Other names: c.215C>T, p.Thr72Met (NM_000920.4, NM_022172.3); short protein forms T72M.
Identifiers: ClinVar variation 2159596 (VCV002159596.1), dbSNP rs776465359, ClinGen allele CA6132273.
Genomic context (GRCh38, chr11:66,871,793, plus strand): 5'-GGGGCCAGGCCGCGGCCGATGAGATAGGCTTCATCTGCTTTCTGCCGGTGCATCTGGCCC[G>A]TGTCCTGCTCAGAGTAGATGGCTACGGTGCGGATGCCCAGCTCCGTGCAGGCCCGGAACA-3'
Protein context (NP_001035806.1, residues 62-82): RTVAIYSEQD[Thr72Met]GQMHRQKADE